The following is an entry in ClinVar:

NM_001267550.2(TTN):c.68078C>T (p.Thr22693Met)

Genes: TTN (titin; minus strand), TTN-AS1 (TTN antisense RNA 1; plus strand), LOC126806423 (CDK7 strongly-dependent group 2 enhancer GRCh37_chr2:179443309-179444508; plus strand). Cytogenetic location: 2q31.2.
Variant type: single nucleotide variant.
Coding change: c.68078C>T on transcript NM_001267550.2 (MANE Select); coding-DNA position 68078, C replaced by T.
Protein change: p.Thr22693Met; replaces threonine 22693 with methionine.
Molecular consequence: missense variant.
Genome position (GRCh38, 1-based): chr2:178,578,952, G>A on the plus strand (C>T on the coding strand, the complement: TTN is on the minus strand). VCF-style: chr2-178578952-G-A. GRCh37 (hg19) VCF-style: chr2-179443679-G-A.
Other names: c.63155C>T, p.Thr21052Met (NM_001256850.1); c.40883C>T, p.Thr13628Met (NM_003319.4); c.60374C>T, p.Thr20125Met (NM_133378.4); c.41258C>T, p.Thr13753Met (NM_133432.3); c.41459C>T, p.Thr13820Met (NM_133437.4); short protein forms T20125M, T22693M, T13628M, T13753M, T21052M, T13820M.
Identifiers: ClinVar variation 191912 (VCV000191912.8), dbSNP rs758700425, ClinGen allele CA237849.

ClinVar aggregate classification (germline): Uncertain significance. Review status: criteria provided, multiple submitters, no conflicts (2 of 4 stars). 4 submissions from 4 submitters: Uncertain significance (4). Last evaluated 2021-12-03.

Conditions:
Cardiovascular phenotype. Identifiers: MedGen CN230736.
Dilated cardiomyopathy 1G (CMD1G). Identifiers: Orphanet 154, MedGen C1858763, MONDO:0011400, OMIM 604145.
Autosomal recessive limb-girdle muscular dystrophy type 2J (LGMDR10). Also called: MUSCULAR DYSTROPHY, LIMB-GIRDLE, AUTOSOMAL RECESSIVE 10; Limb-girdle muscular dystrophy, type 2J. Identifiers: Orphanet 140922, MedGen C1837342, MONDO:0012127, OMIM 608807.
Myopathy, myofibrillar, 9, with early respiratory failure (MFM9). Also called: EDSTROM MYOPATHY; MYOPATHY, PROXIMAL, WITH EARLY RESPIRATORY MUSCLE INVOLVEMENT; Myopathy, distal, with early respiratory failure, autosomal dominant; Hereditary myopathy with early respiratory failure. Identifiers: Orphanet 178464, Orphanet 34521, MedGen C1863599, MONDO:0011362, OMIM 603689.
Early-onset myopathy with fatal cardiomyopathy (CMYO5). Also called: CONGENITAL MYOPATHY 5 WITH CARDIOMYOPATHY; Salih Myopathy. Identifiers: Orphanet 289377, MedGen C2673677, MONDO:0012714, OMIM 611705. Disease mechanism: loss of function.
Hypertrophic cardiomyopathy 9. Also called: Familial hypertrophic cardiomyopathy 9. Identifiers: MedGen C1861065, MONDO:0013412, OMIM 613765.
Tibial muscular dystrophy (TMD). Also called: UDD MYOPATHY; Tibial muscular dystrophy, tardive; Udd Distal Myopathy – Tibial Muscular Dystrophy. Identifiers: Orphanet 609, MedGen C1838244, MONDO:0010870, OMIM 600334.

Allele frequency attached by ClinVar (database versions not stated): gnomAD 0.00001; gnomAD exomes 0.00001; TOPMed 0.00001; ExAC 0.00002.
gnomAD v4.1: 12 of 1,613,068 alleles (0.00074%); highest among the groups gnomAD compares: East Asian, 0.0022%; no homozygotes.

Submissions (4):

Fulgent Genetics
Classification: Uncertain significance for Tibial muscular dystrophy; Myopathy, myofibrillar, 9, with early respiratory failure; Dilated cardiomyopathy 1G; Autosomal recessive limb-girdle muscular dystrophy type 2J; Early-onset myopathy with fatal cardiomyopathy; Hypertrophic cardiomyopathy 9. Last evaluated: 2021-12-03. Review status: criteria provided, single submitter. Criteria: ACMG Guidelines, 2015. Collection method: clinical testing. Allele origin: unknown.

Ambry Genetics
Classification: Uncertain significance for Cardiovascular phenotype. Last evaluated: 2020-09-10. Review status: criteria provided, single submitter. Criteria: Ambry Variant Classification Scheme 2023. Collection method: clinical testing. Allele origin: germline.
Comment: The p.T13628M variant (also known as c.40883C>T), located in coding exon 147 of the TTN gene, results from a C to T substitution at nucleotide position 40883. The threonine at codon 13628 is replaced by methionine, an amino acid with similar properties. This alteration has been reported as a secondary cardiac variant in an exome cohort (Ng D et al. Circ Cardiovasc Genet, 2013 Aug;6:337-46). This amino acid position is highly conserved in available vertebrate species. In addition, this alteration is predicted to be tolerated by in silico analysis. Since supporting evidence is limited at this time, the clinical significance of this alteration remains unclear.

Labcorp Genetics (formerly Invitae), Labcorp
Classification: Uncertain significance for Dilated cardiomyopathy 1G; Autosomal recessive limb-girdle muscular dystrophy type 2J. Last evaluated: 2015-11-30. Review status: criteria provided, single submitter. Criteria: Invitae Variant Classification Sherloc (09022015). Collection method: clinical testing. Allele origin: germline.

Biesecker Lab/Clinical Genomics Section, National Institutes of Health
Classification: Uncertain significance. Last evaluated: 2013-06-24. Review status: criteria provided, single submitter. Criteria: Ng et al. (Circ Cardiovasc Genet. 2013). Collection method: research. Allele origin: unknown. Observed: 1 variant allele. Study: ClinSeq.
Comment: The study set was not selected for affection status in relation to any cancer. Pathogenicity categories were based on literature curation. See Pubmed ID:23861362 for details.

Medical sequencing

Literature cited by the submitters: PubMed 23861362 (cited by Ambry Genetics).